The following is an entry in ClinVar:

NM_005732.4(RAD50):c.497T>A (p.Leu166Ter)

Gene: RAD50 (RAD50 double strand break repair protein; plus strand). Cytogenetic location: 5q31.1.
Variant type: single nucleotide variant.
Coding change: c.497T>A on transcript NM_005732.4 (MANE Select); coding-DNA position 497, T replaced by A.
Protein change: p.Leu166Ter; replaces leucine 166 with a stop codon.
Molecular consequence: nonsense.
Genome position (GRCh38, 1-based): chr5:132,579,448, T>A. VCF-style: chr5-132579448-T-A. GRCh37 (hg19) VCF-style: chr5-131915140-T-A.
Other names: short protein forms L166*.
Identifiers: ClinVar variation 2008796 (VCV002008796.4), dbSNP rs1349319235, ClinGen allele CA360934633.

ClinVar aggregate classification (germline): Pathogenic (1 of 4 stars; one submission).

Conditions:
Hereditary cancer-predisposing syndrome. Also called: Tumor predisposition; Neoplastic Syndromes, Hereditary; Hereditary Cancer Syndrome; Hereditary neoplastic syndrome. Identifiers: Orphanet 140162, MedGen C0027672, MeSH D009386, MONDO:0015356.

Submission:

Labcorp Genetics (formerly Invitae), Labcorp
Classification: Pathogenic for Hereditary cancer-predisposing syndrome. Last evaluated: 2022-06-21. Review status: criteria provided, single submitter. Criteria: Invitae Variant Classification Sherloc (09022015). Collection method: clinical testing. Allele origin: germline.
Comment: For these reasons, this variant has been classified as Pathogenic. This variant has not been reported in the literature in individuals affected with RAD50-related conditions. This variant is not present in population databases (gnomAD no frequency). This sequence change creates a premature translational stop signal (p.Leu166*) in the RAD50 gene. It is expected to result in an absent or disrupted protein product. Loss-of-function variants in RAD50 are known to be pathogenic (PMID: 19409520).

Literature cited by the submitters: PubMed 19409520.